The following is an entry in ClinVar:

ClinVar aggregate classification (germline): Uncertain significance. Review status: criteria provided, single submitter (1 of 4 stars). 2 submissions from 2 submitters: Uncertain significance (1). 1 of the submissions does not count toward it. Last evaluated 2025-06-04.

Conditions:
KAT6A-related disorder. Also called: KAT6A-related condition.

Allele frequency attached by ClinVar (database versions not stated): gnomAD exomes below 0.00001; gnomAD 0.00002; TOPMed 0.00002.
gnomAD v4.1: 5 of 1,614,100 alleles (0.00031%); highest among the groups gnomAD compares: Non-Finnish European, 0.00042%; no homozygotes.

Submissions (2):

Labcorp Genetics (formerly Invitae), Labcorp
Classification: Uncertain significance. Last evaluated: 2025-06-04. Review status: criteria provided, single submitter. Criteria: Invitae Variant Classification Sherloc (09022015). Collection method: clinical testing. Allele origin: germline.
Comment: This sequence change replaces glycine, which is neutral and non-polar, with valine, which is neutral and non-polar, at codon 127 of the KAT6A protein (p.Gly127Val). This variant is not present in population databases (gnomAD no frequency). This variant has not been reported in the literature in individuals affected with KAT6A-related conditions. ClinVar contains an entry for this variant (Variation ID: 2913749). Invitae Evidence Modeling of protein sequence and biophysical properties (such as structural, functional, and spatial information, amino acid conservation, physicochemical variation, residue mobility, and thermodynamic stability) indicates that this missense variant is not expected to disrupt KAT6A protein function with a negative predictive value of 95%. In summary, the available evidence is currently insufficient to determine the role of this variant in disease. Therefore, it has been classified as a Variant of Uncertain Significance.

PreventionGenetics, part of Exact Sciences
Classification: Uncertain significance for KAT6A-related condition. Last evaluated: 2024-02-12. Review status: no assertion criteria provided. Collection method: clinical testing. Allele origin: germline. Not counted in ClinVar's aggregate classification.
Comment: The KAT6A c.380G>T variant is predicted to result in the amino acid substitution p.Gly127Val. To our knowledge, this variant has not been reported in the literature or in a large population database, indicating this variant is rare. At this time, the clinical significance of this variant is uncertain due to the absence of conclusive functional and genetic evidence.

NM_006766.5(KAT6A):c.380G>T (p.Gly127Val)

Gene: KAT6A (lysine acetyltransferase 6A; minus strand). Cytogenetic location: 8p11.21.
Variant type: single nucleotide variant.
Coding change: c.380G>T on transcript NM_006766.5 (MANE Select); coding-DNA position 380, G replaced by T.
Protein change: p.Gly127Val; replaces glycine 127 with valine.
Molecular consequence: missense variant.
Genome position (GRCh38, 1-based): chr8:42,048,598, C>A on the plus strand (G>T on the coding strand, the complement: KAT6A is on the minus strand). VCF-style: chr8-42048598-C-A. GRCh37 (hg19) VCF-style: chr8-41906116-C-A.
Other names: c.380G>T (NM_006766.4); c.380G>T, p.Gly127Val (NM_001305878.2); short protein forms G127V.
Identifiers: ClinVar variation 2913749 (VCV002913749.5), dbSNP rs1224847874, ClinGen allele CA371174793.
Genomic context (GRCh38, chr8:42,048,598, plus strand): 5'-AACTGCTGGTGAAAGCCAGAGGCAGCACTGCCTCCGAATAATGCAGACACATCCTTCTGA[C>A]CTTTCAAAAAACGTTCAATGCTTTTCAAAGTTGAGCCACCAGACTCTGCCAAGCCCTCAA-3'
Protein context (NP_006757.2, residues 117-137): TLKSIERFLK[Gly127Val]QKDVSALFGG